The following is an entry in ClinVar:

NM_001039348.3(EFEMP1):c.-3_13dup (p.Leu5fs)

Gene: EFEMP1 (EGF-like fibulin extracellular matrix protein 1; minus strand). Cytogenetic location: 2p16.1.
Variant type: Duplication.
Coding change: c.-3_13dup on transcript NM_001039348.3 (MANE Select); 3 bases upstream of the start codon through coding-DNA position 13, 16 bases duplicated (ACAATGTTGAAAGCCC).
Protein change: p.Leu5fs; shifts the reading frame from leucine 5.
Molecular consequence: frameshift variant, initiator codon variant.
Genome position (GRCh38, 1-based): chr2:55,922,428-55,922,443, GGGCTTTCAACATTGT duplicated on the plus strand (ACAATGTTGAAAGCCC on the coding strand, the reverse complement: EFEMP1 is on the minus strand); duplicating any 16 consecutive bases within chr2:55,922,428-55,922,444 gives the same sequence; the c. name uses the placement nearest the transcript's 3' end. VCF-style (leftmost placement, unchanged base first): chr2-55922427-A-AGGGCTTTCAACATTGT. GRCh37 (hg19) VCF-style: chr2-56149562-A-AGGGCTTTCAACATTGT.
Other names: c.-3_13dup, p.Leu5fs (NM_001039349.3); short protein forms L5fs.
Identifiers: ClinVar variation 1370551 (VCV001370551.6), dbSNP rs2104458605, ClinGen allele CA2573135061.

ClinVar aggregate classification (germline): Uncertain significance (1 of 4 stars; one submission).

Submission:

Labcorp Genetics (formerly Invitae), Labcorp
Classification: Uncertain significance. Last evaluated: 2021-10-02. Review status: criteria provided, single submitter. Criteria: Invitae Variant Classification Sherloc (09022015). Collection method: clinical testing. Allele origin: germline.
Comment: This variant occurs in a non-coding region of the EFEMP1 gene. It does not change the encoded amino acid sequence of the EFEMP1 protein. This variant is not present in population databases (ExAC no frequency). This variant has not been reported in the literature in individuals affected with EFEMP1-related conditions. Experimental studies and prediction algorithms are not available or were not evaluated, and the functional significance of this variant is currently unknown. In summary, the available evidence is currently insufficient to determine the role of this variant in disease. Therefore, it has been classified as a Variant of Uncertain Significance.